The following is an entry in ClinVar:

ClinVar aggregate classification (germline): Uncertain significance. Review status: criteria provided, multiple submitters, no conflicts (2 of 4 stars). 2 submissions from 2 submitters: Uncertain significance (2). Last evaluated 2025-10-23.

Conditions:
Inborn genetic diseases. Identifiers: MedGen C0950123, MeSH D030342.

gnomAD v4.1: 30 of 1,613,924 alleles (0.0019%); highest among the groups gnomAD compares: Admixed American, 0.0033%; no homozygotes.

Submissions (2):

Ambry Genetics
Classification: Uncertain significance for Inborn genetic diseases. Last evaluated: 2025-10-23. Review status: criteria provided, single submitter. Criteria: Ambry Variant Classification Scheme 2023. Collection method: clinical testing. Allele origin: germline.

Labcorp Genetics (formerly Invitae), Labcorp
Classification: Uncertain significance. Last evaluated: 2024-10-16. Review status: criteria provided, single submitter. Criteria: Invitae Variant Classification Sherloc (09022015). Collection method: clinical testing. Allele origin: germline.
Comment: This sequence change replaces histidine, which is basic and polar, with arginine, which is basic and polar, at codon 711 of the OTOA protein (p.His711Arg). This variant is present in population databases (rs761657472, gnomAD 0.004%). This variant has not been reported in the literature in individuals affected with OTOA-related conditions. An algorithm developed to predict the effect of missense changes on protein structure and function outputs the following: PolyPhen-2: "Benign". The arginine amino acid residue is found in multiple mammalian species, which suggests that this missense change does not adversely affect protein function. In summary, the available evidence is currently insufficient to determine the role of this variant in disease. Therefore, it has been classified as a Variant of Uncertain Significance.

NM_144672.4(OTOA):c.2132A>G (p.His711Arg)

Gene: OTOA (otoancorin). Cytogenetic location: 16p12.2.
Variant type: single nucleotide variant.
Coding change: c.2132A>G on transcript NM_144672.4 (MANE Select); coding-DNA position 2132, A replaced by G.
Protein change: p.His711Arg; replaces histidine 711 with arginine.
Molecular consequence: missense variant.
Genome position (GRCh38, 1-based): chr16:21,728,356, A>G. VCF-style: chr16-21728356-A-G. GRCh37 (hg19) VCF-style: chr16-21739677-A-G.
Other names: c.1895A>G, p.His632Arg (NM_001161683.2); c.1160A>G, p.His387Arg (NM_170664.3); c.2132A>G (NM_144672.3); short protein forms H387R, H632R, H711R.
Identifiers: ClinVar variation 3606594 (VCV003606594.2).